The following is an entry in ClinVar:

NM_001082971.2(DDC):c.1050G>T (p.Gln350His)

Gene: DDC (dopa decarboxylase; minus strand). Cytogenetic location: 7p12.2.
Variant type: single nucleotide variant.
Coding change: c.1050G>T on transcript NM_001082971.2 (MANE Select); coding-DNA position 1050, G replaced by T.
Protein change: p.Gln350His; replaces glutamine 350 with histidine.
Molecular consequence: missense variant.
Genome position (GRCh38, 1-based): chr7:50,470,163, C>A on the plus strand (G>T on the coding strand, the complement: DDC is on the minus strand). VCF-style: chr7-50470163-C-A. GRCh37 (hg19) VCF-style: chr7-50537861-C-A.
Other names: c.1050G>T, p.Gln350His (NM_000790.4); c.936G>T, p.Gln312His (NM_001242886.2); c.906G>T, p.Gln302His (NM_001242887.2); c.816G>T, p.Gln272His (NM_001242888.2); c.771G>T, p.Gln257His (NM_001242889.2); short protein forms Q257H, Q272H, Q302H, Q312H, Q350H.
Identifiers: ClinVar variation 5020675 (VCV005020675.1).
Genomic context (GRCh38, chr7:50,470,163, plus strand): 5'-TCCATACATCCTAAATACAAACCACATTTTCAAAGAGCGAAATCTTCTGCCCAGTGGTAT[C>A]TGCCAATGCTGAAATGAAACATGAAACAGACCATCAGTGAGGAAGATATTAAAAGCTGGC-3'
Protein context (NP_001076440.2, residues 340-360): SGLITDYRHW[Gln350His]IPLGRRFRSL

ClinVar aggregate classification (germline): Uncertain significance (1 of 4 stars; one submission).

gnomAD v4.1: 1 of 1,607,890 alleles (0.000062%); highest among the groups gnomAD compares: Non-Finnish European, 0.000085%; no homozygotes.

Submission:

Dasa
Classification: Uncertain significance. Last evaluated: 2026-04-07. Review status: criteria provided, single submitter. Criteria: DASA Assertion Criteria. Collection method: clinical testing. Allele origin: germline.
Comment: NM_001082971.2(DDC):c.1050G>T (p.Gln350His) is a missense variant that results in the substitution of glutamine with histidine. This variant has been observed in affected individuals with DDC-related disorders. Also, this variant is rare in population databases. The currently available literature and clinical evidence are not sufficient to establish a definitive association between this variant and the reported condition. Therefore, this variant is classified as a variant of uncertain significance.